The following is an entry in ClinVar:

NM_005996.4(TBX3):c.1153C>T (p.Arg385Cys)

Gene: TBX3 (T-box transcription factor 3; minus strand). Cytogenetic location: 12q24.21.
Variant type: single nucleotide variant.
Coding change: c.1153C>T on transcript NM_005996.4 (MANE Select); coding-DNA position 1153, C replaced by T.
Protein change: p.Arg385Cys; replaces arginine 385 with cysteine.
Molecular consequence: missense variant.
Genome position (GRCh38, 1-based): chr12:114,674,722, G>A on the plus strand (C>T on the coding strand, the complement: TBX3 is on the minus strand). VCF-style: chr12-114674722-G-A. GRCh37 (hg19) VCF-style: chr12-115112527-G-A.
Other names: c.1213C>T (NM_016569.3); c.1213C>T, p.Arg405Cys (NM_016569.4); short protein forms R385C, R405C.
Identifiers: ClinVar variation 2718893 (VCV002718893.5), dbSNP rs370551433, ClinGen allele CA6809981.
Genomic context (GRCh38, chr12:114,674,722, plus strand): 5'-TGTCCCGGGGCCGCTCAGCAGCGAAAAGGTGAGCCTTGACCGCGGGGCTGCCCTTGTCAC[G>A]GCAGGGCTCCTCCGACGTGGTGGTGGAGATCTTGGCCGCGTCGCAGGCCTCGGGGCCATG-3'
Protein context (NP_005987.3, residues 375-395): ISTTTSEEPC[Arg385Cys]DKGSPAVKAH

ClinVar aggregate classification (germline): Uncertain significance. Review status: criteria provided, multiple submitters, no conflicts (2 of 4 stars). 2 submissions from 2 submitters: Uncertain significance (2). Last evaluated 2025-11-28.

Conditions:
TBX3-related disorder. Also called: TBX3-related condition.
Ulnar-mammary syndrome (UMS). Also called: SCHINZEL SYNDROME; Ulnar-mammary syndrome of Pallister; PALLISTER ULNAR-MAMMARY SYNDROME. Identifiers: Orphanet 3138, MedGen C1866994, MONDO:0008411, OMIM 181450.

Allele frequency attached by ClinVar (database versions not stated): ESP Exome Variant Server 0.00015.
gnomAD v4.1: 51 of 1,601,052 alleles (0.0032%); highest among the groups gnomAD compares: African/African-American, 0.032%; no homozygotes.

Submissions (2):

Labcorp Genetics (formerly Invitae), Labcorp
Classification: Uncertain significance for Ulnar-mammary syndrome. Last evaluated: 2025-11-28. Review status: criteria provided, single submitter. Criteria: Invitae Variant Classification Sherloc (09022015). Collection method: clinical testing. Allele origin: germline.
Comment: This sequence change replaces arginine, which is basic and polar, with cysteine, which is neutral and slightly polar, at codon 385 of the TBX3 protein (p.Arg385Cys). This variant is present in population databases (rs370551433, gnomAD 0.05%), and has an allele count higher than expected for a pathogenic variant. This variant has not been reported in the literature in individuals affected with TBX3-related conditions. ClinVar contains an entry for this variant (Variation ID: 2718893). An algorithm developed to predict the effect of missense changes on protein structure and function (PolyPhen-2) suggests that this variant is likely to be disruptive. In summary, the available evidence is currently insufficient to determine the role of this variant in disease. Therefore, it has been classified as a Variant of Uncertain Significance.

PreventionGenetics, part of Exact Sciences
Classification: Uncertain significance for TBX3-related condition. Last evaluated: 2025-11-10. Review status: criteria provided, single submitter. Criteria: ACMG Guidelines, 2015. Collection method: clinical testing. Allele origin: germline.
Comment: The TBX3 c.1213C>T variant is predicted to result in the amino acid substitution p.Arg405Cys. To our knowledge, this variant has not been reported in the literature. This variant is reported in 0.049% of alleles in individuals of African descent in gnomAD, which may be too frequent to be a primary cause of disease. Although we suspect that this variant may be benign, at this time, the clinical significance of this variant is uncertain due to the absence of conclusive functional and genetic evidence.